The following is an entry in ClinVar:

ClinVar aggregate classification (germline): Uncertain significance. Review status: criteria provided, multiple submitters, no conflicts (2 of 4 stars). 3 submissions from 3 submitters: Uncertain significance (3). Last evaluated 2024-09-02.

Conditions:
Inborn genetic diseases. Identifiers: MedGen C0950123, MeSH D030342.
Autosomal recessive limb-girdle muscular dystrophy type R18 (LGMDR18). Also called: Autosomal recessive limb-girdle muscular dystrophy type 2S; MUSCULAR DYSTROPHY, LIMB-GIRDLE, AUTOSOMAL RECESSIVE 18; Limb-girdle muscular dystrophy, type 2S. Identifiers: Orphanet 369840, MedGen C4517996, MONDO:0014144, OMIM 615356.

Allele frequency attached by ClinVar (database versions not stated): ExAC 0.00005; TOPMed 0.00005; gnomAD exomes 0.00006 and 0.00013; gnomAD 0.00008.

Submissions (3):

Ambry Genetics
Classification: Uncertain significance for Inborn genetic diseases. Last evaluated: 2024-09-02. Review status: criteria provided, single submitter. Criteria: Ambry Variant Classification Scheme 2023. Collection method: clinical testing. Allele origin: germline.

Labcorp Genetics (formerly Invitae), Labcorp
Classification: Uncertain significance for Autosomal recessive limb-girdle muscular dystrophy type R18. Last evaluated: 2022-09-13. Review status: criteria provided, single submitter. Criteria: Invitae Variant Classification Sherloc (09022015). Collection method: clinical testing. Allele origin: germline.
Comment: This sequence change replaces serine, which is neutral and polar, with asparagine, which is neutral and polar, at codon 919 of the TRAPPC11 protein (p.Ser919Asn). This variant is present in population databases (rs753388968, gnomAD 0.01%). This variant has not been reported in the literature in individuals affected with TRAPPC11-related conditions. ClinVar contains an entry for this variant (Variation ID: 942023). Advanced modeling of protein sequence and biophysical properties (such as structural, functional, and spatial information, amino acid conservation, physicochemical variation, residue mobility, and thermodynamic stability) performed at Invitae indicates that this missense variant is not expected to disrupt TRAPPC11 protein function. In summary, the available evidence is currently insufficient to determine the role of this variant in disease. Therefore, it has been classified as a Variant of Uncertain Significance.

Revvity Omics, Revvity
Classification: Uncertain significance for Autosomal recessive limb-girdle muscular dystrophy type R18. Last evaluated: 2019-03-25. Review status: criteria provided, single submitter. Criteria: ACMG Guidelines, 2015. Collection method: clinical testing. Allele origin: germline.

NM_021942.6(TRAPPC11):c.2756G>A (p.Ser919Asn)

Gene: TRAPPC11 (trafficking protein particle complex subunit 11; plus strand). Cytogenetic location: 4q35.1.
Variant type: single nucleotide variant.
Coding change: c.2756G>A on transcript NM_021942.6 (MANE Select); coding-DNA position 2756, G replaced by A.
Protein change: p.Ser919Asn; replaces serine 919 with asparagine.
Molecular consequence: missense variant.
Genome position (GRCh38, 1-based): chr4:183,697,740, G>A. VCF-style: chr4-183697740-G-A. GRCh37 (hg19) VCF-style: chr4-184618893-G-A.
Other names: c.2756G>A (NM_021942.4); c.2756G>A, p.Ser919Asn (NM_199053.3); short protein forms S919N.
Identifiers: ClinVar variation 942023 (VCV000942023.8), dbSNP rs753388968, ClinGen allele CA3152311.
Genomic context (GRCh38, chr4:183,697,740, plus strand): 5'-TTGAGCACCTGGAAAGGGTTTATGCTGACATCCCCTTTCTGTTGATGACGGACCTCTTAA[G>A]TGCCTCACCCTGGGCCCTCACTATTGTTTCCAGTGAGCTCCAGCTTGCTCCATCCATGAC-3'
Protein context (NP_068761.4, residues 909-929): IPFLLMTDLL[Ser919Asn]ASPWALTIVS